The following is an entry in ClinVar:

NM_001379110.1(SLC9A6):c.1119C>T (p.Ile373=)

Gene: SLC9A6 (solute carrier family 9 member A6; plus strand). Cytogenetic location: Xq26.3.
Variant type: single nucleotide variant.
Coding change: c.1119C>T on transcript NM_001379110.1 (MANE Select); coding-DNA position 1119, C replaced by T.
Protein change: p.Ile373=; no amino-acid change (isoleucine 373 retained).
Molecular consequence: synonymous variant.
Genome position (GRCh38, 1-based): chrX:136,016,683, C>T. VCF-style: chrX-136016683-C-T. GRCh37 (hg19) VCF-style: chrX-135098842-C-T.
Other names: NM_001379110.1(SLC9A6):c.1119C>T; p.Ile373=; c.1275C>T, p.Ile425= (NM_001042537.2); c.1119C>T, p.Ile373= (NM_001177651.2); c.1023C>T, p.Ile341= (NM_001330652.2); c.1179C>T, p.Ile393= (NM_006359.3).
Identifiers: ClinVar variation 696130 (VCV000696130.10), dbSNP rs140158476, ClinGen allele CA336248535.

ClinVar aggregate classification (germline): Benign. Review status: reviewed by expert panel (3 of 4 stars). 3 submissions from 3 submitters: Benign (1). 2 of the submissions do not count toward it. Last evaluated 2026-01-28.

Conditions:
Christianson syndrome (MRXSCH). Also called: INTELLECTUAL DEVELOPMENTAL DISORDER, X-LINKED, SYNDROMIC, CHRISTIANSON TYPE; X-linked mental retardation, syndromic, Christianson type; SLC9A6-Related Syndromic Mental Retardation. Identifiers: Orphanet 85278, MedGen C2678194, MONDO:0010278, OMIM 300243.

Allele frequency attached by ClinVar (database versions not stated): ESP Exome Variant Server 0.00019; TOPMed 0.00002; gnomAD 0.00005; gnomAD exomes 0.00002 and 0.00005.
gnomAD v4.1: 57 of 1,199,826 alleles (0.0048%); highest among the groups gnomAD compares: Non-Finnish European, 0.0061%; no homozygotes.

Submissions (3):

ClinGen Rett and Angelman-like Disorders Variant Curation Expert Panel
Classification: Benign for Christianson syndrome. Last evaluated: 2026-01-28. Review status: reviewed by expert panel. Criteria: ClinGen RettAS ACMG Specifications SLC9A6 V5.0.0. Collection method: curation. Allele origin: germline. Inheritance: X-linked inheritance.
Comment: The highest population minor allele frequency of the p.Ile373= variant in SLC9A6 in gnomAD v4.1 is 0.00006104 in the European (non-Finnish) population, which is higher than the ClinGen Rett and Angelman-like Disorders VCEP threshold (≥0.0000083) for BS1, and therefore meets this criterion (BS1). The p.Ile373= variant is observed in at least 2 unaffected individuals (GeneDx- internal database) (BS2). The p.Ile373= variant is found in at least 3 patients with an alternate molecular basis of disease (GeneDx- internal database) (BP5_Strong). The computational splicing predictor SpliceAI gives a score of 0.52 for acceptor loss and 0.54 for donor loss, predicting that the variant disrupts the donor splice site of intron 10 of SLC9A6 (PP3). The p.Ile373= variant is not currently published and is not present in additional databases (internal and publicly available), therefore, no additional criteria are applicable at this time. In the absence of other pathogenic evidence beyond PP3, and because this variant has been observed in 20 unaffected individuals and 8 individuals with an alternate molecular diagnosis, the ClinGen Rett and Angelman-like Disorders Variant Curation Expert Panel has agreed to override the PP4 criterion and classify this variant as Benign based on the ACMG/AMP criteria (BS1, BS2, BP5_Strong). (SLC9A6 Specifications v.5.0; curation approved on 1/28/2026)

Labcorp Genetics (formerly Invitae), Labcorp
Classification: Likely benign for Christianson syndrome. Last evaluated: 2025-12-13. Review status: criteria provided, single submitter. Criteria: Invitae Variant Classification Sherloc (09022015). Collection method: clinical testing. Allele origin: germline. Not counted in ClinVar's aggregate classification.

GeneDx
Classification: Uncertain significance. Last evaluated: 2022-07-01. Review status: criteria provided, single submitter. Criteria: GeneDx Variant Classification Process June 2021. Collection method: clinical testing. Allele origin: germline. Affected: yes. Not counted in ClinVar's aggregate classification.
Comment: In silico analysis supports a deleterious effect on splicing; Has not been previously published as pathogenic or benign to our knowledge